The following is an entry in ClinVar:

NM_006904.7(PRKDC):c.1024A>C (p.Met342Leu)

Gene: PRKDC (protein kinase, DNA-activated, catalytic subunit; minus strand). Cytogenetic location: 8q11.21.
Variant type: single nucleotide variant.
Coding change: c.1024A>C on transcript NM_006904.7 (MANE Select); coding-DNA position 1024, A replaced by C.
Protein change: p.Met342Leu; replaces methionine 342 with leucine.
Molecular consequence: missense variant.
Genome position (GRCh38, 1-based): chr8:47,939,640, T>G on the plus strand (A>C on the coding strand, the complement: PRKDC is on the minus strand). VCF-style: chr8-47939640-T-G. GRCh37 (hg19) VCF-style: chr8-48852200-T-G.
Other names: c.1024A>C, p.Met342Leu (NM_001081640.2); short protein forms M342L.
Identifiers: ClinVar variation 3425205 (VCV003425205.1).
Genomic context (GRCh38, chr8:47,939,640, plus strand): 5'-CAATAGATAACTCCTTGTTGTTCGAATCCACATTTCTGATGATTCCATAAAACTGCTCCA[T>G]AAAGTACTGCAGTTTATTTTTATGCATTTCTGCATTTTTCGCCACCATATTAGAAACCTG-3'
Protein context (NP_008835.5, residues 332-352): EMHKNKLQYF[Met342Leu]EQFYGIIRNV

ClinVar aggregate classification (germline): Uncertain significance (1 of 4 stars; one submission).

gnomAD v4.1: 4 of 1,612,996 alleles (0.00025%); highest among the groups gnomAD compares: East Asian, 0.0089%; no homozygotes.

Submission:

Ambry Genetics
Classification: Uncertain significance. Last evaluated: 2024-10-14. Review status: criteria provided, single submitter. Criteria: Ambry Variant Classification Scheme 2023. Collection method: clinical testing. Allele origin: germline.
Comment: The p.M342L variant (also known as c.1024A>C), located in coding exon 11 of the PRKDC gene, results from an A to C substitution at nucleotide position 1024. The methionine at codon 342 is replaced by leucine, an amino acid with highly similar properties. This amino acid position is conserved. In addition, this alteration is predicted to be tolerated by in silico analysis. Based on the available evidence, the clinical significance of this variant remains unclear.